The following is an entry in ClinVar:

NM_020340.5(ARFGEF3):c.5424C>G (p.Arg1808=)

Gene: ARFGEF3 (ARFGEF family member 3; plus strand). Cytogenetic location: 6q24.1.
Variant type: single nucleotide variant.
Coding change: c.5424C>G on transcript NM_020340.5 (MANE Select); coding-DNA position 5424, C replaced by G.
Protein change: p.Arg1808=; no amino-acid change (arginine 1808 retained).
Molecular consequence: synonymous variant.
Genome position (GRCh38, 1-based): chr6:138,334,270, C>G. VCF-style: chr6-138334270-C-G. GRCh37 (hg19) VCF-style: chr6-138655407-C-G.
Identifiers: ClinVar variation 789477 (VCV000789477.26), dbSNP rs41289779, ClinGen allele CA4021598.

ClinVar aggregate classification (germline): Benign/Likely benign. Review status: criteria provided, multiple submitters, no conflicts (2 of 4 stars). 3 submissions from 3 submitters: Benign (1); Likely benign (1). 1 of the submissions does not count toward it. Last evaluated 2024-02-01.

Conditions:
ARFGEF3-related disorder. Also called: ARFGEF3-related condition.

Allele frequency attached by ClinVar (database versions not stated): 1000 Genomes Project 0.00180; ExAC 0.00197; gnomAD exomes 0.00203 and 0.00311; 1000 Genomes Project 30x 0.00219; gnomAD 0.00234 and 0.00238; ESP Exome Variant Server 0.00269; TOPMed 0.00272.
gnomAD v4.1: 4,904 of 1,613,742 alleles (0.3%); highest among the groups gnomAD compares: Non-Finnish European, 0.38%; 14 homozygotes.

Submissions (3):

CeGaT Center for Human Genetics Tuebingen
Classification: Likely benign. Last evaluated: 2024-02-01. Review status: criteria provided, single submitter. Criteria: CeGaT Center For Human Genetics Tuebingen Variant Classification Criteria Version 2. Collection method: clinical testing. Allele origin: germline. Affected: yes. Observed: 1 variant allele.
Comment: ARFGEF3: BP4, BP7

Labcorp Genetics (formerly Invitae), Labcorp
Classification: Benign. Last evaluated: 2017-10-13. Review status: criteria provided, single submitter. Criteria: Invitae Variant Classification Sherloc (09022015). Collection method: clinical testing. Allele origin: germline.

PreventionGenetics, part of Exact Sciences
Classification: Likely benign for ARFGEF3-related condition. Last evaluated: 2019-06-17. Review status: no assertion criteria provided. Collection method: clinical testing. Allele origin: germline. Not counted in ClinVar's aggregate classification.
Comment: This variant is classified as likely benign based on ACMG/AMP sequence variant interpretation guidelines (Richards et al. 2015 PMID: 25741868, with internal and published modifications).